The following is an entry in ClinVar:

ClinVar aggregate classification (germline): Uncertain significance (1 of 4 stars; one submission).

Conditions:
Mucopolysaccharidosis, MPS-IV-A (MPS4A). Also called: Morquio syndrome A, mild; MORQUIO SYNDROME A; GALACTOSAMINE-6-SULFATASE DEFICIENCY; GALNS DEFICIENCY; MORQUIO A DISEASE; Mucopolysaccharidosis type IV A. Identifiers: Orphanet 309297, Orphanet 582, MedGen C0086651, MONDO:0009659, OMIM 253000.

Allele frequency attached by ClinVar (database versions not stated): 1000 Genomes Project 30x 0.00031; 1000 Genomes Project 0.00040.
gnomAD v4.1: 3 of 1,563,668 alleles (0.00019%); highest among the groups gnomAD compares: African/African-American, 0.0027%; no homozygotes.

Submission:

Labcorp Genetics (formerly Invitae), Labcorp
Classification: Uncertain significance for Mucopolysaccharidosis, MPS-IV-A. Last evaluated: 2022-05-15. Review status: criteria provided, single submitter. Criteria: Invitae Variant Classification Sherloc (09022015). Collection method: clinical testing. Allele origin: germline.
Comment: This sequence change replaces proline, which is neutral and non-polar, with serine, which is neutral and polar, at codon 511 of the GALNS protein (p.Pro511Ser). This variant is not present in population databases (gnomAD no frequency). This variant has not been reported in the literature in individuals affected with GALNS-related conditions. Advanced modeling of protein sequence and biophysical properties (such as structural, functional, and spatial information, amino acid conservation, physicochemical variation, residue mobility, and thermodynamic stability) performed at Invitae indicates that this missense variant is expected to disrupt GALNS protein function. In summary, the available evidence is currently insufficient to determine the role of this variant in disease. Therefore, it has been classified as a Variant of Uncertain Significance.

NM_000512.5(GALNS):c.1531C>T (p.Pro511Ser)

Gene: GALNS (galactosamine (N-acetyl)-6-sulfatase; minus strand). Cytogenetic location: 16q24.3.
Variant type: single nucleotide variant.
Coding change: c.1531C>T on transcript NM_000512.5 (MANE Select); coding-DNA position 1531, C replaced by T.
Protein change: p.Pro511Ser; replaces proline 511 with serine.
Molecular consequence: missense variant.
Genome position (GRCh38, 1-based): chr16:88,814,477, G>A on the plus strand (C>T on the coding strand, the complement: GALNS is on the minus strand). VCF-style: chr16-88814477-G-A. GRCh37 (hg19) VCF-style: chr16-88880885-G-A.
Other names: c.976C>T, p.Pro326Ser (NM_001323543.2); c.1549C>T, p.Pro517Ser (NM_001323544.2); short protein forms P326S, P511S, P517S.
Identifiers: ClinVar variation 2151335 (VCV002151335.1), dbSNP rs530773540, ClinGen allele CA286432062.
Genomic context (GRCh38, chr16:88,814,477, plus strand): 5'-CTGGCCTGAGTCTGCGCAGGTGCTAGTGGGACCAGAGGCACTTCTTGGGAATGGATTCTG[G>A]AGGTGTCAGACACTTCCCTAACTTTTCACAGCCCGGAGGTGCCCAGTTCTGGGAAATGAA-3'
Protein context (NP_000503.1, residues 501-521): CEKLGKCLTP[Pro511Ser]ESIPKKCLWS